The following is an entry in ClinVar:

NM_001557.4(CXCR2):c.874A>G (p.Ile292Val)

Gene: CXCR2 (C-X-C motif chemokine receptor 2; plus strand). Cytogenetic location: 2q35.
Variant type: single nucleotide variant.
Coding change: c.874A>G on transcript NM_001557.4 (MANE Select); coding-DNA position 874, A replaced by G.
Protein change: p.Ile292Val; replaces isoleucine 292 with valine.
Molecular consequence: missense variant.
Genome position (GRCh38, 1-based): chr2:218,135,675, A>G. VCF-style: chr2-218135675-A-G. GRCh37 (hg19) VCF-style: chr2-219000398-A-G.
Other names: c.874A>G, p.Ile292Val (NM_001168298.2); short protein forms I292V.
Identifiers: ClinVar variation 4657844 (VCV004657844.2).

ClinVar aggregate classification (germline): Uncertain significance. Review status: criteria provided, multiple submitters, no conflicts (2 of 4 stars). 2 submissions from 2 submitters: Uncertain significance (2). Last evaluated 2025-11-11.

gnomAD v4.1: 6 of 1,613,374 alleles (0.00037%); highest among the groups gnomAD compares: Admixed American, 0.0083%; no homozygotes.

Submissions (2):

Ambry Genetics
Classification: Uncertain significance. Last evaluated: 2025-11-11. Review status: criteria provided, single submitter. Criteria: Ambry Variant Classification Scheme 2023. Collection method: clinical testing. Allele origin: germline.

Labcorp Genetics (formerly Invitae), Labcorp
Classification: Uncertain significance. Last evaluated: 2025-07-06. Review status: criteria provided, single submitter. Criteria: Invitae Variant Classification Sherloc (09022015). Collection method: clinical testing. Allele origin: germline.
Comment: This sequence change replaces isoleucine, which is neutral and non-polar, with valine, which is neutral and non-polar, at codon 292 of the CXCR2 protein (p.Ile292Val). This variant is present in population databases (rs754779379, gnomAD 0.01%). This variant has not been reported in the literature in individuals affected with CXCR2-related conditions. An algorithm developed to predict the effect of missense changes on protein structure and function (PolyPhen-2) suggests that this variant is likely to be disruptive. In summary, the available evidence is currently insufficient to determine the role of this variant in disease. Therefore, it has been classified as a Variant of Uncertain Significance.